The following is an entry in ClinVar:

NM_000548.5(TSC2):c.1104C>T (p.Leu368=)

Gene: TSC2 (TSC complex subunit 2; plus strand). Cytogenetic location: 16p13.3.
Variant type: single nucleotide variant.
Coding change: c.1104C>T on transcript NM_000548.5 (MANE Select); coding-DNA position 1104, C replaced by T.
Protein change: p.Leu368=; no amino-acid change (leucine 368 retained).
Molecular consequence: synonymous variant.
Genome position (GRCh38, 1-based): chr16:2,060,798, C>T. VCF-style: chr16-2060798-C-T. GRCh37 (hg19) VCF-style: chr16-2110799-C-T.
Other names: c.1104C>T, p.Leu368= (NM_001077183.3, NM_001114382.3, NM_001363528.2 and 3 more transcripts); c.993C>T, p.Leu331= (NM_001318827.2); c.957C>T, p.Leu319= (NM_001318829.2); c.504C>T, p.Leu168= (NM_001318831.2); c.1137C>T, p.Leu379= (NM_001318832.2); c.1104C>T (NM_000548.3).
Identifiers: ClinVar variation 1554924 (VCV001554924.10), dbSNP rs1352216421, ClinGen allele CA492961120.

ClinVar aggregate classification (germline): Benign/Likely benign. Review status: criteria provided, multiple submitters, no conflicts (2 of 4 stars). 4 submissions from 4 submitters: Benign (1); Likely benign (3). Last evaluated 2026-01-18.

Conditions:
Hereditary cancer-predisposing syndrome. Also called: Neoplastic Syndromes, Hereditary; Tumor predisposition; Hereditary neoplastic syndrome; Hereditary Cancer Syndrome. Identifiers: Orphanet 140162, MedGen C0027672, MeSH D009386, MONDO:0015356.
Tuberous sclerosis syndrome (TSC). Also called: Tuberous Sclerosis Complex; Tuberous sclerosis. Identifiers: Orphanet 805, MedGen C0041341, MONDO:0001734.
Tuberous sclerosis 2 (TSC2). Identifiers: Orphanet 805, MedGen C1860707, MONDO:0013199, OMIM 613254.

Allele frequency attached by ClinVar (database versions not stated): TOPMed below 0.00001; gnomAD 0.00001.
gnomAD v4.1: 1 of 1,613,586 alleles (0.000062%); highest among the groups gnomAD compares: African/African-American, 0.0013%; no homozygotes.

Submissions (4):

Labcorp Genetics (formerly Invitae), Labcorp
Classification: Likely benign for Tuberous sclerosis 2. Last evaluated: 2026-01-18. Review status: criteria provided, single submitter. Criteria: Invitae Variant Classification Sherloc (09022015). Collection method: clinical testing. Allele origin: germline.

Color Diagnostics, LLC DBA Color Health
Classification: Likely benign for Tuberous sclerosis syndrome. Last evaluated: 2025-09-05. Review status: criteria provided, single submitter. Criteria: ACMG Guidelines, 2015. Collection method: clinical testing. Allele origin: germline.

Myriad Genetics, Inc.
Classification: Benign for Tuberous sclerosis 2. Last evaluated: 2025-05-13. Review status: criteria provided, single submitter. Criteria: Myriad Autosomal Dominant, Autosomal Recessive and X-Linked Classification Criteria (2023). Collection method: clinical testing. Allele origin: unknown.
Comment: This variant is considered benign. This variant is a silent/synonymous amino acid change and it is not expected to impact splicing.

Ambry Genetics
Classification: Likely benign for Hereditary cancer-predisposing syndrome. Last evaluated: 2023-03-20. Review status: criteria provided, single submitter. Criteria: Ambry Variant Classification Scheme 2023. Collection method: clinical testing. Allele origin: germline.